The following is an entry in ClinVar:

NM_001035.3(RYR2):c.7624G>A (p.Ala2542Thr)

Gene: RYR2 (ryanodine receptor 2; plus strand). Cytogenetic location: 1q43.
Variant type: single nucleotide variant.
Coding change: c.7624G>A on transcript NM_001035.3 (MANE Select); coding-DNA position 7624, G replaced by A.
Protein change: p.Ala2542Thr; replaces alanine 2542 with threonine.
Molecular consequence: missense variant.
Genome position (GRCh38, 1-based): chr1:237,649,988, G>A. VCF-style: chr1-237649988-G-A. GRCh37 (hg19) VCF-style: chr1-237813288-G-A.
Other names: c.7624G>A, p.Ala2542Thr (LRG_402t1); short protein forms A2542T.
Identifiers: ClinVar variation 463640 (VCV000463640.10), dbSNP rs373602064, ClinGen allele CA087436.
Genomic context (GRCh38, chr1:237,649,988, plus strand): 5'-ACAGCCGTCTTGCCATTGTTAACAAGATGTGCTCCTCTCTTTGCTGGCACAGAGCACCAC[G>A]CTTCTCTCATTGACTCATTACTTCATACTGTGTATAGACTTTCTAAGGGCTGTTCACTTA-3'
Protein context (NP_001026.2, residues 2532-2552): APLFAGTEHH[Ala2542Thr]SLIDSLLHTV

ClinVar aggregate classification (germline): Conflicting classifications of pathogenicity. Review status: criteria provided, conflicting classifications (1 of 4 stars). 4 submissions from 4 submitters: Uncertain significance (3); Likely benign (1). Last evaluated 2024-11-11.

Conditions:
Catecholaminergic polymorphic ventricular tachycardia (CVPT). Also called: Catecholamine-induced polymorphic ventricular tachycardia. Identifiers: Orphanet 3286, MedGen C5574922, MONDO:0017990.
Catecholaminergic polymorphic ventricular tachycardia 1. Also called: VENTRICULAR TACHYCARDIA, CATECHOLAMINERGIC POLYMORPHIC, 1, WITH OR WITHOUT ATRIAL DYSFUNCTION AND/OR DILATED CARDIOMYOPATHY; RYR2-Related Catecholaminergic Polymorphic Ventricular Tachycardia; VENTRICULAR TACHYCARDIA, STRESS-INDUCED POLYMORPHIC 1. Identifiers: Orphanet 3286, MedGen C1631597, MONDO:0011484, OMIM 604772.
Cardiomyopathy (CMYO). Also called: Cardiomyopathies. Identifiers: Orphanet 167848, MedGen C0878544, MONDO:0004994, HP:0001638. Inheritance: Various modes of inheritance.

Allele frequency attached by ClinVar (database versions not stated): TOPMed 0.00002.
gnomAD v4.1: 32 of 1,613,968 alleles (0.002%); highest among the groups gnomAD compares: South Asian, 0.024%; no homozygotes.

Submissions (4):

Labcorp Genetics (formerly Invitae), Labcorp
Classification: Likely benign for Catecholaminergic polymorphic ventricular tachycardia 1. Last evaluated: 2024-11-11. Review status: criteria provided, single submitter. Criteria: Invitae Variant Classification Sherloc (09022015). Collection method: clinical testing. Allele origin: germline.

All of Us Research Program, National Institutes of Health
Classification: Uncertain significance for Catecholaminergic polymorphic ventricular tachycardia. Last evaluated: 2024-06-11. Review status: criteria provided, single submitter. Criteria: ACMG Guidelines, 2015. Collection method: clinical testing. Allele origin: germline. Inheritance: Autosomal dominant inheritance. Observed: 3 variant alleles, 3 heterozygotes.
Comment: This missense variant replaces alanine with threonine at codon 2542 of the RYR2 protein. Computational prediction suggests that this variant may not impact protein structure and function (internally defined REVEL score threshold <= 0.5, PMID: 27666373). To our knowledge, functional studies have not been reported for this variant. This variant has not been reported in individuals affected with cardiovascular disorders in the literature. This variant has been identified in 7/249292 chromosomes in the general population by the Genome Aggregation Database (gnomAD). The available evidence is insufficient to determine the role of this variant in disease conclusively. Therefore, this variant is classified as a Variant of Uncertain Significance.

This study involves interpretation of variants in research participants for the purpose of population health screening. Participant phenotype was not available at the time of variant classification. Additional details can be found in publication PMID: 35346344, PMCID: PMC8962531

Blueprint Genetics
Classification: Uncertain significance. Last evaluated: 2024-01-29. Review status: criteria provided, single submitter. Criteria: ACMG Guidelines, 2015. Collection method: clinical testing. Allele origin: germline.

Color Diagnostics, LLC DBA Color Health
Classification: Uncertain significance for Cardiomyopathy. Last evaluated: 2023-08-02. Review status: criteria provided, single submitter. Criteria: ACMG Guidelines, 2015. Collection method: clinical testing. Allele origin: germline.
Comment: This missense variant replaces alanine with threonine at codon 2542 of the RYR2 protein. Computational prediction suggests that this variant may not impact protein structure and function (internally defined REVEL score threshold <= 0.5, PMID: 27666373). To our knowledge, functional studies have not been reported for this variant. This variant has not been reported in individuals affected with cardiovascular disorders in the literature. This variant has been identified in 7/249292 chromosomes in the general population by the Genome Aggregation Database (gnomAD). The available evidence is insufficient to determine the role of this variant in disease conclusively. Therefore, this variant is classified as a Variant of Uncertain Significance.